The following is an entry in ClinVar:

ClinVar aggregate classification (germline): Uncertain significance (1 of 4 stars; one submission).

Conditions:
Methylmalonic acidemia due to transcobalamin receptor defect (MATR). Also called: METHYLMALONIC ACIDURIA, TRANSIENT, DUE TO TRANSCOBALAMIN RECEPTOR DEFECT; METHYLMALONIC ACIDEMIA, TCblR TYPE. Identifiers: Orphanet 280183, MedGen C4749905, MONDO:0013341, OMIM 613646.

Submission:

Labcorp Genetics (formerly Invitae), Labcorp
Classification: Uncertain significance for Methylmalonic acidemia due to transcobalamin receptor defect. Last evaluated: 2022-05-25. Review status: criteria provided, single submitter. Criteria: Invitae Variant Classification Sherloc (09022015). Collection method: clinical testing. Allele origin: germline.
Comment: This variant is not present in population databases (gnomAD no frequency). In summary, the available evidence is currently insufficient to determine the role of this variant in disease. Therefore, it has been classified as a Variant of Uncertain Significance. Variants that disrupt the consensus splice site are a relatively common cause of aberrant splicing (PMID: 17576681, 9536098). Algorithms developed to predict the effect of sequence changes on RNA splicing suggest that this variant is not likely to affect RNA splicing. This variant has not been reported in the literature in individuals affected with CD320-related conditions. This sequence change falls in intron 1 of the CD320 gene. It does not directly change the encoded amino acid sequence of the CD320 protein. It affects a nucleotide within the consensus splice site.

Literature cited by the submitters: PubMed 17576681; PubMed 9536098.

NM_016579.4(CD320):c.142+4A>G

Gene: CD320 (CD320 molecule; minus strand). Cytogenetic location: 19p13.2.
Variant type: single nucleotide variant.
Coding change: c.142+4A>G on transcript NM_016579.4 (MANE Select); 4 bases into the intron after coding-DNA position 142, A replaced by G.
Molecular consequence: intron variant.
Genome position (GRCh38, 1-based): chr19:8,308,145, T>C on the plus strand (A>G on the coding strand, the complement: CD320 is on the minus strand). VCF-style: chr19-8308145-T-C. GRCh37 (hg19) VCF-style: chr19-8373029-T-C.
Other names: c.142+4A>G (NM_001165895.2).
Identifiers: ClinVar variation 1998831 (VCV001998831.4), dbSNP rs2512604071, ClinGen allele CA2580097139.